The following is an entry in ClinVar:

NM_001374385.1(ATP8B1):c.634A>G (p.Ile212Val)

Gene: ATP8B1 (ATPase phospholipid transporting 8B1; minus strand). Cytogenetic location: 18q21.31.
Variant type: single nucleotide variant.
Coding change: c.634A>G on transcript NM_001374385.1 (MANE Select); coding-DNA position 634, A replaced by G.
Protein change: p.Ile212Val; replaces isoleucine 212 with valine.
Molecular consequence: missense variant.
Genome position (GRCh38, 1-based): chr18:57,697,682, T>C on the plus strand (A>G on the coding strand, the complement: ATP8B1 is on the minus strand). VCF-style: chr18-57697682-T-C. GRCh37 (hg19) VCF-style: chr18-55364914-T-C.
Other names: c.484A>G, p.Ile162Val (NM_001374386.1); c.634A>G, p.Ile212Val (NM_005603.6); short protein forms I162V, I212V.
Identifiers: ClinVar variation 4846202 (VCV004846202.1).

ClinVar aggregate classification (germline): Uncertain significance (1 of 4 stars; one submission).

Conditions:
Familial intrahepatic cholestasis. Identifiers: Orphanet 284385, MedGen CN296401, MONDO:0017290.

gnomAD v4.1: 4 of 1,613,888 alleles (0.00025%); highest among the groups gnomAD compares: East Asian, 0.0022%; no homozygotes.

Submission:

Genomenon, Inc
Classification: Uncertain significance for Familial intrahepatic cholestasis. Last evaluated: 2026-04-14. Review status: criteria provided, single submitter. Criteria: Genomenon Sequence Variant Interpretation Standards - Updated. Collection method: curation. Allele origin: germline. Affected: no.
Comment: ATP8B1 p.Ile212Val (c.634A>G) is a missense variant that changes the amino acid at residue 212 from Isoleucine to Valine. This variant has been reported in the published literature (PMID:37208429). It is absent or not present at a significant frequency in gnomAD. In silico models predict that this variant is not damaging. In conclusion, we classify ATP8B1 p.Ile212Val (c.634A>G) as a variant of uncertain significance.

Literature cited by the submitters: PubMed 37208429.